The following is an entry in ClinVar:

NM_178822.5(IGSF10):c.2942C>T (p.Thr981Met)

Gene: IGSF10 (immunoglobulin superfamily member 10; minus strand). Cytogenetic location: 3q25.1.
Variant type: single nucleotide variant.
Coding change: c.2942C>T on transcript NM_178822.5 (MANE Select); coding-DNA position 2942, C replaced by T.
Protein change: p.Thr981Met; replaces threonine 981 with methionine.
Molecular consequence: missense variant.
Genome position (GRCh38, 1-based): chr3:151,447,039, G>A on the plus strand (C>T on the coding strand, the complement: IGSF10 is on the minus strand). VCF-style: chr3-151447039-G-A. GRCh37 (hg19) VCF-style: chr3-151164827-G-A.
Other names: c.2942C>T, p.Thr981Met (NM_001385060.1, NM_001385061.1, NM_001385062.1 and 1 more transcripts); short protein forms T981M.
Identifiers: ClinVar variation 724086 (VCV000724086.8), dbSNP rs78090556, ClinGen allele CA2670263.

ClinVar aggregate classification (germline): Likely benign. Review status: criteria provided, single submitter (1 of 4 stars). 2 submissions from 2 submitters: Likely benign (1). 1 of the submissions does not count toward it. Last evaluated 2024-11-08.

Conditions:
IGSF10-related disorder. Also called: IGSF10-related condition.

Allele frequency attached by ClinVar (database versions not stated): 1000 Genomes Project 0.00180; gnomAD exomes 0.00068; ExAC 0.00081; gnomAD 0.00127 and 0.00133; TOPMed 0.00151; ESP Exome Variant Server 0.00054; 1000 Genomes Project 30x 0.00172.
gnomAD v4.1: 639 of 1,613,902 alleles (0.04%); highest among the groups gnomAD compares: African/African-American, 0.4%; 2 homozygotes.

Submissions (2):

Labcorp Genetics (formerly Invitae), Labcorp
Classification: Likely benign. Last evaluated: 2024-11-08. Review status: criteria provided, single submitter. Criteria: Invitae Variant Classification Sherloc (09022015). Collection method: clinical testing. Allele origin: germline.

PreventionGenetics, part of Exact Sciences
Classification: Likely benign for IGSF10-related condition. Last evaluated: 2022-03-15. Review status: no assertion criteria provided. Collection method: clinical testing. Allele origin: germline. Not counted in ClinVar's aggregate classification.
Comment: This variant is classified as likely benign based on ACMG/AMP sequence variant interpretation guidelines (Richards et al. 2015 PMID: 25741868, with internal and published modifications).